The following is an entry in ClinVar:

NM_182916.3(TRNT1):c.647A>G (p.Asp216Gly)

Gene: TRNT1 (tRNA nucleotidyl transferase 1; plus strand). Cytogenetic location: 3p26.2.
Variant type: single nucleotide variant.
Coding change: c.647A>G on transcript NM_182916.3 (MANE Select); coding-DNA position 647, A replaced by G.
Protein change: p.Asp216Gly; replaces aspartic acid 216 with glycine.
Molecular consequence: missense variant. On other transcripts: non-coding transcript variant (6).
Genome position (GRCh38, 1-based): chr3:3,146,468, A>G. VCF-style: chr3-3146468-A-G. GRCh37 (hg19) VCF-style: chr3-3188152-A-G.
Other names: c.647A>G, p.Asp216Gly (NM_001302946.2, NM_001367321.1, NM_001367322.1 and 1 more transcripts); short protein forms D216G.
Identifiers: ClinVar variation 1060094 (VCV001060094.5), dbSNP rs2126034760, ClinGen allele CA351446935.

ClinVar aggregate classification (germline): Uncertain significance (1 of 4 stars; one submission).

Conditions:
Congenital sideroblastic anemia-B-cell immunodeficiency-periodic fever-developmental delay syndrome. Also called: Sideroblastic anemia with B-cell immunodeficiency, periodic fevers, and developmental delay. Identifiers: Orphanet 369861, MedGen C4015172, MONDO:0014487, OMIM 616084.

Submission:

Labcorp Genetics (formerly Invitae), Labcorp
Classification: Uncertain significance for Congenital sideroblastic anemia-B-cell immunodeficiency-periodic fever-developmental delay syndrome. Last evaluated: 2022-02-04. Review status: criteria provided, single submitter. Criteria: Invitae Variant Classification Sherloc (09022015). Collection method: clinical testing. Allele origin: germline.
Comment: ClinVar contains an entry for this variant (Variation ID: 1060094). This sequence change replaces aspartic acid, which is acidic and polar, with glycine, which is neutral and non-polar, at codon 216 of the TRNT1 protein (p.Asp216Gly). This variant is not present in population databases (gnomAD no frequency). This variant has not been reported in the literature in individuals affected with TRNT1-related conditions. Algorithms developed to predict the effect of missense changes on protein structure and function are either unavailable or do not agree on the potential impact of this missense change (SIFT: "Deleterious"; PolyPhen-2: "Possibly Damaging"; Align-GVGD: "Class C0"). In summary, the available evidence is currently insufficient to determine the role of this variant in disease. Therefore, it has been classified as a Variant of Uncertain Significance.